The following is an entry in ClinVar:

NM_006005.3(WFS1):c.2165T>C (p.Met722Thr)

Gene: WFS1 (wolframin ER transmembrane glycoprotein; plus strand). Cytogenetic location: 4p16.1.
Variant type: single nucleotide variant.
Coding change: c.2165T>C on transcript NM_006005.3 (MANE Select); coding-DNA position 2165, T replaced by C.
Protein change: p.Met722Thr; replaces methionine 722 with threonine.
Molecular consequence: missense variant.
Genome position (GRCh38, 1-based): chr4:6,301,960, T>C. VCF-style: chr4-6301960-T-C. GRCh37 (hg19) VCF-style: chr4-6303687-T-C.
Other names: c.2165T>C, p.Met722Thr (NM_001145853.1); short protein forms M722T.
Identifiers: ClinVar variation 2610442 (VCV002610442.5), dbSNP rs1386151615, ClinGen allele CA356177956.

ClinVar aggregate classification (germline): Uncertain significance. Review status: criteria provided, multiple submitters, no conflicts (2 of 4 stars). 2 submissions from 2 submitters: Uncertain significance (2). Last evaluated 2023-12-18.

Conditions:
Inborn genetic diseases. Identifiers: MedGen C0950123, MeSH D030342.

Allele frequency attached by ClinVar (database versions not stated): gnomAD exomes below 0.00001.
gnomAD v4.1: 1 of 1,612,856 alleles (0.000062%); highest among the groups gnomAD compares: East Asian, 0.0022%; no homozygotes.

Submissions (2):

Labcorp Genetics (formerly Invitae), Labcorp
Classification: Uncertain significance. Last evaluated: 2023-12-18. Review status: criteria provided, single submitter. Criteria: Invitae Variant Classification Sherloc (09022015). Collection method: clinical testing. Allele origin: germline.
Comment: This sequence change replaces methionine, which is neutral and non-polar, with threonine, which is neutral and polar, at codon 722 of the WFS1 protein (p.Met722Thr). This variant is present in population databases (no rsID available, gnomAD 0.01%). This variant has not been reported in the literature in individuals affected with WFS1-related conditions. ClinVar contains an entry for this variant (Variation ID: 2610442). Advanced modeling of protein sequence and biophysical properties (such as structural, functional, and spatial information, amino acid conservation, physicochemical variation, residue mobility, and thermodynamic stability) has been performed at Invitae for this missense variant, however the output from this modeling did not meet the statistical confidence thresholds required to predict the impact of this variant on WFS1 protein function. In summary, the available evidence is currently insufficient to determine the role of this variant in disease. Therefore, it has been classified as a Variant of Uncertain Significance.

Ambry Genetics
Classification: Uncertain significance for Inborn genetic diseases. Last evaluated: 2023-07-11. Review status: criteria provided, single submitter. Criteria: Ambry Variant Classification Scheme 2023. Collection method: clinical testing. Allele origin: germline.